The following is an entry in ClinVar:

ClinVar aggregate classification (germline): Uncertain significance (1 of 4 stars; one submission).

Allele frequency attached by ClinVar (database versions not stated): gnomAD exomes below 0.00001 and 0.00003; gnomAD 0.00001; ExAC 0.00002; TOPMed 0.00002; 1000 Genomes Project 30x 0.00016; 1000 Genomes Project 0.00020.
gnomAD v4.1: 8 of 1,614,150 alleles (0.0005%); highest among the groups gnomAD compares: East Asian, 0.018%; no homozygotes.

Submission:

Labcorp Genetics (formerly Invitae), Labcorp
Classification: Uncertain significance. Last evaluated: 2024-01-17. Review status: criteria provided, single submitter. Criteria: Invitae Variant Classification Sherloc (09022015). Collection method: clinical testing. Allele origin: germline.
Comment: This sequence change replaces threonine, which is neutral and polar, with alanine, which is neutral and non-polar, at codon 822 of the EIF2AK4 protein (p.Thr822Ala). This variant is present in population databases (rs201606949, gnomAD 0.04%). This missense change has been observed in individual(s) with pulmonary arterial hypertension (PMID: 35811711). ClinVar contains an entry for this variant (Variation ID: 1516476). Advanced modeling of protein sequence and biophysical properties (such as structural, functional, and spatial information, amino acid conservation, physicochemical variation, residue mobility, and thermodynamic stability) performed at Invitae indicates that this missense variant is not expected to disrupt EIF2AK4 protein function with a negative predictive value of 95%. In summary, the available evidence is currently insufficient to determine the role of this variant in disease. Therefore, it has been classified as a Variant of Uncertain Significance.

Literature cited by the submitters: PubMed 35811711.

NM_001013703.4(EIF2AK4):c.2464A>G (p.Thr822Ala)

Gene: EIF2AK4 (eukaryotic translation initiation factor 2 alpha kinase 4; plus strand). Cytogenetic location: 15q15.1.
Variant type: single nucleotide variant.
Coding change: c.2464A>G on transcript NM_001013703.4 (MANE Select); coding-DNA position 2464, A replaced by G.
Protein change: p.Thr822Ala; replaces threonine 822 with alanine.
Molecular consequence: missense variant.
Genome position (GRCh38, 1-based): chr15:39,988,043, A>G. VCF-style: chr15-39988043-A-G. GRCh37 (hg19) VCF-style: chr15-40280244-A-G.
Other names: short protein forms T822A.
Identifiers: ClinVar variation 1516476 (VCV001516476.8), dbSNP rs201606949, ClinGen allele CA7474051.
Genomic context (GRCh38, chr15:39,988,043, plus strand): 5'-ATGGAGTACTGTGAGAAGAGCACTTTACGAGACACCATTGACCAGGGACTGTATCGAGAC[A>G]CCGTCAGACTCTGGAGGCTTTTTCGAGAGATTCTGGATGGATTAGCTTATATCCATGAGA-3'
Protein context (NP_001013725.2, residues 812-832): DTIDQGLYRD[Thr822Ala]VRLWRLFREI